The following is an entry in ClinVar:

ClinVar aggregate classification (germline): Pathogenic (1 of 4 stars; one submission).

Conditions:
Immunodeficiency 51 (IMD51). Also called: CANDIDIASIS, FAMILIAL, 5. Identifiers: Orphanet 1334, MedGen C4310803, MONDO:0013500, OMIM 613953.

Allele frequency attached by ClinVar (database versions not stated): gnomAD exomes below 0.00001; TOPMed below 0.00001; ExAC 0.00001; gnomAD 0.00001.

Submission:

Labcorp Genetics (formerly Invitae), Labcorp
Classification: Pathogenic for Immunodeficiency 51. Last evaluated: 2023-03-31. Review status: criteria provided, single submitter. Criteria: Invitae Variant Classification Sherloc (09022015). Collection method: clinical testing. Allele origin: germline.
Comment: This sequence change creates a premature translational stop signal (p.Trp62*) in the IL17RA gene. It is expected to result in an absent or disrupted protein product. Loss-of-function variants in IL17RA are known to be pathogenic (PMID: 27930337). This variant is present in population databases (rs753878546, gnomAD 0.002%). This variant has not been reported in the literature in individuals affected with IL17RA-related conditions. Algorithms developed to predict the effect of sequence changes on RNA splicing suggest that this variant may create or strengthen a splice site. For these reasons, this variant has been classified as Pathogenic.

Literature cited by the submitters: PubMed 27930337.

NM_014339.7(IL17RA):c.185G>A (p.Trp62Ter)

Gene: IL17RA (interleukin 17 receptor A; plus strand). Cytogenetic location: 22q11.1.
Variant type: single nucleotide variant.
Coding change: c.185G>A on transcript NM_014339.7 (MANE Select); coding-DNA position 185, G replaced by A.
Protein change: p.Trp62Ter; replaces tryptophan 62 with a stop codon.
Molecular consequence: nonsense.
Genome position (GRCh38, 1-based): chr22:17,097,818, G>A. VCF-style: chr22-17097818-G-A. GRCh37 (hg19) VCF-style: chr22-17578708-G-A.
Other names: c.185G>A, p.Trp62Ter (NM_001289905.2); short protein forms W62*.
Identifiers: ClinVar variation 2794701 (VCV002794701.3), dbSNP rs753878546, ClinGen allele CA10086258.